The following is an entry in ClinVar:

NM_001365536.1(SCN9A):c.4711C>A (p.His1571Asn)

Genes: SCN9A (sodium voltage-gated channel alpha subunit 9; minus strand), SCN1A-AS1 (SCN1A and SCN9A antisense RNA 1; plus strand). Cytogenetic location: 2q24.3.
Variant type: single nucleotide variant.
Coding change: c.4711C>A on transcript NM_001365536.1 (MANE Select); coding-DNA position 4711, C replaced by A.
Protein change: p.His1571Asn; replaces histidine 1571 with asparagine.
Molecular consequence: missense variant.
Genome position (GRCh38, 1-based): chr2:166,204,018, G>T on the plus strand (C>A on the coding strand, the complement: SCN9A is on the minus strand). VCF-style: chr2-166204018-G-T. GRCh37 (hg19) VCF-style: chr2-167060528-G-T.
Other names: c.4678C>A, p.His1560Asn (NM_002977.4); short protein forms H1560N, H1571N.
Identifiers: ClinVar variation 1511326 (VCV001511326.8), dbSNP rs2106346103, ClinGen allele CA349057382.

ClinVar aggregate classification (germline): Uncertain significance (1 of 4 stars; one submission).

Conditions:
Neuropathy, hereditary sensory and autonomic, type 2A (HSAN2A). Also called: WNK1-Related HSAN2 (HSAN2A); NEUROPATHY, CONGENITAL SENSORY; NEUROPATHY, HEREDITARY SENSORY RADICULAR, AUTOSOMAL RECESSIVE; NEUROPATHY, HEREDITARY SENSORY, TYPE IIA; NEUROPATHY, PROGRESSIVE SENSORY, OF CHILDREN; HSAN IIA. Identifiers: Orphanet 970, MedGen C2752089, MONDO:0024309, OMIM 201300.
Generalized epilepsy with febrile seizures plus, type 7 (GEFSP7). Also called: GEFS+, TYPE 7. Identifiers: Orphanet 36387, MedGen C2751778, MONDO:0013470, OMIM 613863.

Submission:

Labcorp Genetics (formerly Invitae), Labcorp
Classification: Uncertain significance for Neuropathy, hereditary sensory and autonomic, type 2A; Generalized epilepsy with febrile seizures plus, type 7. Last evaluated: 2024-02-24. Review status: criteria provided, single submitter. Criteria: Invitae Variant Classification Sherloc (09022015). Collection method: clinical testing. Allele origin: germline.
Comment: This sequence change replaces histidine, which is basic and polar, with asparagine, which is neutral and polar, at codon 1560 of the SCN9A protein (p.His1560Asn). This variant is not present in population databases (gnomAD no frequency). This variant has not been reported in the literature in individuals affected with SCN9A-related conditions. ClinVar contains an entry for this variant (Variation ID: 1511326). Advanced modeling of protein sequence and biophysical properties (such as structural, functional, and spatial information, amino acid conservation, physicochemical variation, residue mobility, and thermodynamic stability) performed at Invitae indicates that this missense variant is not expected to disrupt SCN9A protein function with a negative predictive value of 95%. In summary, the available evidence is currently insufficient to determine the role of this variant in disease. Therefore, it has been classified as a Variant of Uncertain Significance.